The following is an entry in ClinVar:

NM_020779.4(WDR35):c.2663A>G (p.Asn888Ser)

Gene: WDR35 (WD repeat domain 35; minus strand). Cytogenetic location: 2p24.1.
Variant type: single nucleotide variant.
Coding change: c.2663A>G on transcript NM_020779.4 (MANE Select); coding-DNA position 2663, A replaced by G.
Protein change: p.Asn888Ser; replaces asparagine 888 with serine.
Molecular consequence: missense variant.
Genome position (GRCh38, 1-based): chr2:19,932,443, T>C on the plus strand (A>G on the coding strand, the complement: WDR35 is on the minus strand). VCF-style: chr2-19932443-T-C. GRCh37 (hg19) VCF-style: chr2-20132204-T-C.
Other names: c.2696A>G, p.Asn899Ser (NM_001006657.2); short protein forms N888S, N899S.
Identifiers: ClinVar variation 1327290 (VCV001327290.2), dbSNP rs1670555348, ClinGen allele CA345942466.

ClinVar aggregate classification (germline): Uncertain significance (1 of 4 stars; one submission).

Allele frequency attached by ClinVar (database versions not stated): gnomAD exomes 0.00001.
gnomAD v4.1: 3 of 1,613,238 alleles (0.00019%); highest among the groups gnomAD compares: Non-Finnish European, 0.00025%; no homozygotes.

Submission:

GeneDx
Classification: Uncertain significance. Last evaluated: 2021-06-03. Review status: criteria provided, single submitter. Criteria: GeneDx Variant Classification Process June 2021. Collection method: clinical testing. Allele origin: germline. Affected: yes.
Comment: Not observed at significant frequency in large population cohorts (Lek et al., 2016); In silico analysis supports that this missense variant does not alter protein structure/function; Has not been previously published as pathogenic or benign to our knowledge; This variant is associated with the following publications: (PMID: 27535533)